The following is an entry in ClinVar:

NM_138420.4(AHNAK2):c.5193T>G (p.Leu1731=)

Gene: AHNAK2 (AHNAK nucleoprotein 2; minus strand). Cytogenetic location: 14q32.33.
Variant type: single nucleotide variant.
Coding change: c.5193T>G on transcript NM_138420.4 (MANE Select); coding-DNA position 5193, T replaced by G.
Protein change: p.Leu1731=; no amino-acid change (leucine 1731 retained).
Molecular consequence: synonymous variant.
Genome position (GRCh38, 1-based): chr14:104,950,258, A>C on the plus strand (T>G on the coding strand, the complement: AHNAK2 is on the minus strand). VCF-style: chr14-104950258-A-C. GRCh37 (hg19) VCF-style: chr14-105416595-A-C.
Other names: c.4893T>G, p.Leu1631= (NM_001350929.2).
Identifiers: ClinVar variation 2644802 (VCV002644802.24), dbSNP rs557965184, ClinGen allele CA7381920.
Genomic context (GRCh38, chr14:104,950,258, plus strand): 5'-CATCTTCAAACTGGGCATCTGCACCTTGGGGAGGTGCCCTTTGAAGCCGGCTCCCTCGGG[A>C]AGGGGGCCCTCCGGGAGTTTCACGTTCACTTGGCCAGCCTGGACCTCCAGGTCGGCGGAA-3'
Protein context (NP_612429.2, residues 1721-1741): QVNVKLPEGP[Leu1731=]PEGAGFKGHL

ClinVar aggregate classification (germline): Likely benign (1 of 4 stars; one submission).

Allele frequency attached by ClinVar (database versions not stated): gnomAD exomes 0.00030; ExAC 0.00036; gnomAD 0.00221; 1000 Genomes Project 30x 0.00437; 1000 Genomes Project 0.00499.
gnomAD v4.1: 749 of 1,578,334 alleles (0.047%); highest among the groups gnomAD compares: African/African-American, 0.7%; 93 homozygotes.

Submission:

CeGaT Center for Human Genetics Tuebingen
Classification: Likely benign. Last evaluated: 2023-04-01. Review status: criteria provided, single submitter. Criteria: CeGaT Center For Human Genetics Tuebingen Variant Classification Criteria Version 2. Collection method: clinical testing. Allele origin: germline. Affected: yes. Observed: 1 variant allele.
Comment: AHNAK2: BP4, BP7, BS2